The following is an entry in ClinVar:

NM_000135.4(FANCA):c.4206T>G (p.Phe1402Leu)

Genes: FANCA (FA complementation group A; minus strand), ZNF276 (zinc finger protein 276; plus strand). Cytogenetic location: 16q24.3.
Variant type: single nucleotide variant.
Coding change: c.4206T>G on transcript NM_000135.4 (MANE Select); coding-DNA position 4206, T replaced by G.
Protein change: p.Phe1402Leu; replaces phenylalanine 1402 with leucine.
Molecular consequence: missense variant. On other transcripts: 3 prime UTR variant (2), non-coding transcript variant (4).
Genome position (GRCh38, 1-based): chr16:89,738,936, A>C on the plus strand (T>G on the coding strand, the complement: FANCA is on the minus strand). VCF-style: chr16-89738936-A-C. GRCh37 (hg19) VCF-style: chr16-89805344-A-C.
Other names: c.4210T>G, p.Ser1404Ala (NM_001286167.3); c.*690A>C (NM_001113525.2, NM_152287.4); short protein forms F1402L, S1404A.
Identifiers: ClinVar variation 4870796 (VCV004870796.1).
Genomic context (GRCh38, chr16:89,738,936, plus strand): 5'-CGTTACCTCTGCCACGTGTGAGAAGCTCTTTTTCGGGCACCGAGGTATTAACTGCAGCAG[A>C]AAAAGACGAGCTTTTGTTATCAGTTCCACGGGGTTGCCCTAGAGAGAAAACAGGCAAACT-3'
Protein context (NP_000126.2, residues 1392-1412): PVELITKARL[Phe1402Leu]LLQLIPRCPK

ClinVar aggregate classification (germline): Uncertain significance (1 of 4 stars; one submission).

Conditions:
Inborn genetic diseases. Identifiers: MedGen C0950123, MeSH D030342.

gnomAD v4.1: 3 of 1,614,148 alleles (0.00019%); highest among the groups gnomAD compares: Admixed American, 0.005%; no homozygotes.

Submission:

Ambry Genetics
Classification: Uncertain significance for Inborn genetic diseases. Last evaluated: 2026-03-21. Review status: criteria provided, single submitter. Criteria: Ambry Variant Classification Scheme 2023. Collection method: clinical testing. Allele origin: germline.
Comment: The p.F1402L variant (also known as c.4206T>G), located in coding exon 42 of the FANCA gene, results from a T to G substitution at nucleotide position 4206. The phenylalanine at codon 1402 is replaced by leucine, an amino acid with highly similar properties. This amino acid position is conserved. In addition, the in silico prediction for this alteration is inconclusive. Based on the available evidence, the clinical significance of this variant remains unclear.